The following is an entry in ClinVar:

ClinVar aggregate classification (germline): Pathogenic (1 of 4 stars; one submission).

Submission:

Labcorp Genetics (formerly Invitae), Labcorp
Classification: Pathogenic. Last evaluated: 2022-09-27. Review status: criteria provided, single submitter. Criteria: Invitae Variant Classification Sherloc (09022015). Collection method: clinical testing. Allele origin: germline.
Comment: For these reasons, this variant has been classified as Pathogenic. Algorithms developed to predict the effect of sequence changes on RNA splicing suggest that this variant may create or strengthen a splice site. ClinVar contains an entry for this variant (Variation ID: 1455092). This variant has not been reported in the literature in individuals affected with PRPF31-related conditions. This variant is not present in population databases (gnomAD no frequency). This sequence change creates a premature translational stop signal (p.Glu189*) in the PRPF31 gene. It is expected to result in an absent or disrupted protein product. Loss-of-function variants in PRPF31 are known to be pathogenic (PMID: 18317597, 23950152).

Literature cited by the submitters: PubMed 18317597; PubMed 23950152.

NM_015629.4(PRPF31):c.565G>T (p.Glu189Ter)

Gene: PRPF31 (pre-mRNA processing factor 31; plus strand). Cytogenetic location: 19q13.42.
Variant type: single nucleotide variant.
Coding change: c.565G>T on transcript NM_015629.4 (MANE Select); coding-DNA position 565, G replaced by T.
Protein change: p.Glu189Ter; replaces glutamic acid 189 with a stop codon.
Molecular consequence: nonsense.
Genome position (GRCh38, 1-based): chr19:54,123,786, G>T. VCF-style: chr19-54123786-G-T. GRCh37 (hg19) VCF-style: chr19-54627165-G-T.
Other names: short protein forms E189*.
Identifiers: ClinVar variation 1455092 (VCV001455092.6), dbSNP rs2146420831, ClinGen allele CA407750512.